The following is an entry in ClinVar:

ClinVar aggregate classification (germline): Likely pathogenic (1 of 4 stars; one submission).

Conditions:
Retinal dystrophy. Also called: Inherited retinal dystrophy. Identifiers: Orphanet 71862, MedGen C0854723, MeSH D058499, MONDO:0019118, HP:0000556.

gnomAD v4.1: 2 of 1,613,916 alleles (0.00012%); highest among the groups gnomAD compares: South Asian, 0.0011%; no homozygotes.

Submission:

Ophthalmic Genetics Group, Institute of Molecular and Clinical Ophthalmology Basel
Classification: Likely pathogenic for Retinal dystrophy. Last evaluated: 2024-05-27. Review status: criteria provided, single submitter. Criteria: ACMG Guidelines, 2015. Collection method: research. Allele origin: germline. Affected: yes. Observed: 1 variant allele.
Comment: This variant was classified as Likely pathogenic based on ACMG criteria: PM2_mod, PM5_mod and PP3_strong

Literature cited by the submitters: PubMed 28418496; PubMed 27440997; PubMed 40180963.

NM_003322.6(TULP1):c.1561C>T (p.Pro521Ser)

Gene: TULP1 (TUB like protein 1; minus strand). Cytogenetic location: 6p21.31.
Variant type: single nucleotide variant.
Coding change: c.1561C>T on transcript NM_003322.6 (MANE Select); coding-DNA position 1561, C replaced by T.
Protein change: p.Pro521Ser; replaces proline 521 with serine.
Molecular consequence: missense variant.
Genome position (GRCh38, 1-based): chr6:35,498,395, G>A on the plus strand (C>T on the coding strand, the complement: TULP1 is on the minus strand). VCF-style: chr6-35498395-G-A. GRCh37 (hg19) VCF-style: chr6-35466172-G-A.
Other names: NC_000006.11:g.35466172G>A; NP_003313.3:p.(Pro521Ser); c.1402C>T, p.Pro468Ser (NM_001289395.2); short protein forms P468S, P521S.
Identifiers: ClinVar variation 3381777 (VCV003381777.2).